The following is an entry in ClinVar:

NM_001127222.2(CACNA1A):c.5458T>C (p.Ser1820Pro)

Gene: CACNA1A (calcium voltage-gated channel subunit alpha1 A; minus strand). Cytogenetic location: 19p13.13.
Variant type: single nucleotide variant.
Coding change: c.5458T>C on transcript NM_001127222.2 (MANE Select); coding-DNA position 5458, T replaced by C.
Protein change: p.Ser1820Pro; replaces serine 1820 with proline.
Molecular consequence: missense variant.
Genome position (GRCh38, 1-based): chr19:13,230,152, A>G on the plus strand (T>C on the coding strand, the complement: CACNA1A is on the minus strand). VCF-style: chr19-13230152-A-G. GRCh37 (hg19) VCF-style: chr19-13340966-A-G.
Other names: c.5476T>C, p.Ser1826Pro (NM_000068.4, NM_023035.3); c.5461T>C, p.Ser1821Pro (NM_001127221.2); c.5467T>C, p.Ser1823Pro (NM_001174080.2); short protein forms S1821P, S1823P, S1820P, S1826P.
Identifiers: ClinVar variation 2922380 (VCV002922380.3), dbSNP rs2512617957, ClinGen allele CA404333612.

ClinVar aggregate classification (germline): Uncertain significance (1 of 4 stars; one submission).

Conditions:
Developmental and epileptic encephalopathy, 42 (DEE42A). Also called: DEVELOPMENTAL AND EPILEPTIC ENCEPHALOPATHY 42A; EPILEPTIC ENCEPHALOPATHY, EARLY INFANTILE, 42A; Epileptic encephalopathy, early infantile, 42. Identifiers: MedGen C4310716, MONDO:0014917, OMIM 617106.
Episodic ataxia type 2 (EA2). Also called: ACETAZOLAMIDE-RESPONSIVE HEREDITARY PAROXYSMAL CEREBELLAR ATAXIA; ATAXIA, EPISODIC, WITH NYSTAGMUS; ATAXIA, FAMILIAL PAROXYSMAL; CEREBELLAR ATAXIA, PAROXYSMAL, ACETAZOLAMIDE-RESPONSIVE; CEREBELLOPATHY, HEREDITARY PAROXYSMAL; EPISODIC ATAXIA, NYSTAGMUS-ASSOCIATED. Identifiers: Orphanet 97, MedGen C1720416, MONDO:0007163, OMIM 108500.

Submission:

Labcorp Genetics (formerly Invitae), Labcorp
Classification: Uncertain significance for Developmental and epileptic encephalopathy, 42; Episodic ataxia type 2. Last evaluated: 2024-01-22. Review status: criteria provided, single submitter. Criteria: Invitae Variant Classification Sherloc (09022015). Collection method: clinical testing. Allele origin: germline.
Comment: This sequence change replaces serine, which is neutral and polar, with proline, which is neutral and non-polar, at codon 1821 of the CACNA1A protein (p.Ser1821Pro). This variant is not present in population databases (gnomAD no frequency). This variant has not been reported in the literature in individuals affected with CACNA1A-related conditions. Advanced modeling of protein sequence and biophysical properties (such as structural, functional, and spatial information, amino acid conservation, physicochemical variation, residue mobility, and thermodynamic stability) performed at Invitae indicates that this missense variant is expected to disrupt CACNA1A protein function with a positive predictive value of 95%. In summary, the available evidence is currently insufficient to determine the role of this variant in disease. Therefore, it has been classified as a Variant of Uncertain Significance.